The following is an entry in ClinVar:

ClinVar aggregate classification (germline): Uncertain significance (0 of 4 stars; one submission).

Conditions:
ZSWIM6-related disorder. Also called: ZSWIM6-related condition.

Allele frequency attached by ClinVar (database versions not stated): gnomAD exomes below 0.00001.
gnomAD v4.1: 2 of 1,110,834 alleles (0.00018%); highest among the groups gnomAD compares: Middle Eastern, 0.03%; no homozygotes.

Submission:

PreventionGenetics, part of Exact Sciences
Classification: Uncertain significance for ZSWIM6-related condition. Last evaluated: 2023-12-18. Review status: no assertion criteria provided. Collection method: clinical testing. Allele origin: germline.
Comment: The ZSWIM6 c.385A>G variant is predicted to result in the amino acid substitution p.Thr129Ala. To our knowledge, this variant has not been reported in the literature or in a large population database, indicating this variant is rare. At this time, the clinical significance of this variant is uncertain due to the absence of conclusive functional and genetic evidence.

NM_020928.2(ZSWIM6):c.385A>G (p.Thr129Ala)

Gene: ZSWIM6 (zinc finger SWIM-type containing 6; plus strand). Cytogenetic location: 5q12.1.
Variant type: single nucleotide variant.
Coding change: c.385A>G on transcript NM_020928.2 (MANE Select); coding-DNA position 385, A replaced by G.
Protein change: p.Thr129Ala; replaces threonine 129 with alanine.
Molecular consequence: missense variant.
Genome position (GRCh38, 1-based): chr5:61,332,657, A>G. VCF-style: chr5-61332657-A-G. GRCh37 (hg19) VCF-style: chr5-60628484-A-G.
Other names: short protein forms T129A.
Identifiers: ClinVar variation 3061602 (VCV003061602.2), dbSNP rs1450533686, ClinGen allele CA359940607.
Genomic context (GRCh38, chr5:61,332,657, plus strand): 5'-ATAGTCTATTGGTCCTTCCCCCGCAGCGAGCGGGAGATCTGCATGTACTCGTCCTTCAAC[A>G]CCGGCGGCGGCGCCGCGGGCGGCCCCGGCGACGACAGCGGTGGCGGCGGCGGCGCGGGCG-3'
Protein context (NP_065979.1, residues 119-139): REICMYSSFN[Thr129Ala]GGGAAGGPGD